The following is an entry in ClinVar:

ClinVar aggregate classification (germline): Uncertain significance (1 of 4 stars; one submission).

Conditions:
Hereditary cancer-predisposing syndrome. Also called: Neoplastic Syndromes, Hereditary; Tumor predisposition; Hereditary Cancer Syndrome; Hereditary neoplastic syndrome. Identifiers: Orphanet 140162, MedGen C0027672, MeSH D009386, MONDO:0015356.

Submission:

Ambry Genetics
Classification: Uncertain significance for Hereditary cancer-predisposing syndrome. Last evaluated: 2025-12-07. Review status: criteria provided, single submitter. Criteria: Ambry Variant Classification Scheme 2023. Collection method: clinical testing. Allele origin: germline.
Comment: The p.S68N variant (also known as c.203G>A), located in coding exon 2 of the MITF gene, results from a G to A substitution at nucleotide position 203. The serine at codon 68 is replaced by asparagine, an amino acid with highly similar properties. This amino acid position is conserved. In addition, this alteration is predicted to be tolerated by in silico analysis. Based on the available evidence, the clinical significance of this variant remains unclear.

NM_001354604.2(MITF):c.524G>A (p.Ser175Asn)

Gene: MITF (melanocyte inducing transcription factor; plus strand). Cytogenetic location: 3p13.
Variant type: single nucleotide variant.
Coding change: c.524G>A on transcript NM_001354604.2 (MANE Select); coding-DNA position 524, G replaced by A.
Protein change: p.Ser175Asn; replaces serine 175 with asparagine.
Molecular consequence: missense variant. On other transcripts: intron variant (1).
Genome position (GRCh38, 1-based): chr3:69,937,991, G>A. VCF-style: chr3-69937991-G-A. GRCh37 (hg19) VCF-style: chr3-69987142-G-A.
Other names: c.203G>A, p.Ser68Asn (NM_000248.4, NM_001184968.2, NM_198158.3); c.368G>A, p.Ser123Asn (NM_001184967.2, NM_001354608.2); c.521G>A, p.Ser174Asn (NM_001354605.2, NM_001354606.2, NM_006722.3); c.473G>A, p.Ser158Asn (NM_001354607.2); c.524G>A, p.Ser175Asn (NM_198159.3); c.93+110G>A (NM_198178.3); c.476G>A, p.Ser159Asn (NM_198177.3); short protein forms S174N, S158N, S123N, S159N, S175N, S68N.
Identifiers: ClinVar variation 4648874 (VCV004648874.1).